The following is an entry in ClinVar:

NM_002180.3(IGHMBP2):c.257-101G>C

Gene: IGHMBP2 (immunoglobulin mu DNA binding protein 2; plus strand). Cytogenetic location: 11q13.3.
Variant type: single nucleotide variant.
Coding change: c.257-101G>C on transcript NM_002180.3 (MANE Select); 101 bases into the intron before coding-DNA position 257, G replaced by C.
Molecular consequence: intron variant.
Genome position (GRCh38, 1-based): chr11:68,908,044, G>C. VCF-style: chr11-68908044-G-C. GRCh37 (hg19) VCF-style: chr11-68675512-G-C.
Identifiers: ClinVar variation 681863 (VCV000681863.1), dbSNP rs61887150, ClinGen allele CA13571518.

ClinVar aggregate classification (germline): Benign (1 of 4 stars; one submission).

Allele frequency attached by ClinVar (database versions not stated): 1000 Genomes Project 30x 0.19425; 1000 Genomes Project 0.19549; gnomAD 0.22415 and 0.22424; TOPMed 0.23006.
gnomAD v4.1: 268,369 of 1,011,552 alleles (27%); highest among the groups gnomAD compares: Admixed American, 44%; 38,947 homozygotes.

Submission:

GeneDx
Classification: Benign. Last evaluated: 2018-06-19. Review status: criteria provided, single submitter. Criteria: GeneDx Variant Classification (06012015). Collection method: clinical testing. Allele origin: germline. Affected: yes.
Comment: This variant is considered likely benign or benign based on one or more of the following criteria: it is a conservative change, it occurs at a poorly conserved position in the protein, it is predicted to be benign by multiple in silico algorithms, and/or has population frequency not consistent with disease.